The following is an entry in ClinVar:

ClinVar aggregate classification (germline): Likely benign (1 of 4 stars; one submission).

Allele frequency attached by ClinVar (database versions not stated): 1000 Genomes Project 0.00020; 1000 Genomes Project 30x 0.00031; ExAC 0.00053; ESP Exome Variant Server 0.00069.
gnomAD v4.1: 681 of 1,588,576 alleles (0.043%); highest among the groups gnomAD compares: Non-Finnish European, 0.051%; no homozygotes.

Submission:

CeGaT Center for Human Genetics Tuebingen
Classification: Likely benign. Last evaluated: 2025-10-01. Review status: criteria provided, single submitter. Criteria: CeGaT Center For Human Genetics Tuebingen Variant Classification Criteria Version 2. Collection method: clinical testing. Allele origin: germline. Affected: yes. Observed: 2 variant alleles.
Comment: ADAMTSL1: BS2

NM_001040272.6(ADAMTSL1):c.1575-8G>A

Gene: ADAMTSL1 (ADAMTS like 1; plus strand). Cytogenetic location: 9p22.1.
Variant type: single nucleotide variant.
Coding change: c.1575-8G>A on transcript NM_001040272.6 (MANE Select); 8 bases into the intron before coding-DNA position 1575, G replaced by A.
Molecular consequence: intron variant.
Genome position (GRCh38, 1-based): chr9:18,706,739, G>A. VCF-style: chr9-18706739-G-A. GRCh37 (hg19) VCF-style: chr9-18706737-G-A.
Identifiers: ClinVar variation 2659095 (VCV002659095.24), dbSNP rs369451715, ClinGen allele CA4999149.